The following is an entry in ClinVar:

NM_000138.5(FBN1):c.7785_7806dup (p.Asn2603fs)

Gene: FBN1 (fibrillin 1; minus strand). Cytogenetic location: 15q21.1.
Variant type: Duplication.
Coding change: c.7785_7806dup on transcript NM_000138.5 (MANE Select); coding-DNA positions 7785 to 7806, 22 bases duplicated (CTACCTCCAGCACTACCAGTGG).
Protein change: p.Asn2603fs; shifts the reading frame from asparagine 2603.
Molecular consequence: frameshift variant.
Genome position (GRCh38, 1-based): chr15:48,420,700-48,420,721, CCACTGGTAGTGCTGGAGGTAG duplicated on the plus strand (CTACCTCCAGCACTACCAGTGG on the coding strand, the reverse complement: FBN1 is on the minus strand); duplicating any 22 consecutive bases within chr15:48,420,700-48,420,723 gives the same sequence; the c. name uses the placement nearest the transcript's 3' end. VCF-style (leftmost placement, unchanged base first): chr15-48420699-T-TCCACTGGTAGTGCTGGAGGTAG. GRCh37 (hg19) VCF-style: chr15-48712896-T-TCCACTGGTAGTGCTGGAGGTAG.
Other names: c.7783_7804dup, p.Asn2603Leufs (NM_001406716.1); c.7785_7806dup22 (NM_000138.4); short protein forms N2603fs.
Identifiers: ClinVar variation 1705118 (VCV001705118.1), dbSNP rs2505394853, ClinGen allele CA2580089635.
Genomic context (GRCh38, chr15:48,420,699, plus strand): 5'-ATAGGACCTGATAGCCATGCATCTTGAGAGTGAGGAAAAGTTACTTGCCAACACACTGGT[T>TCCACTGGTAGTGCTGGAGGTAG]CCACTGGTAGTGCTGGAGGTAGCCCTGGGGGCAGCTGCACCTGTAGCCCCCAATGATGTT-3'

ClinVar aggregate classification (germline): Likely pathogenic (1 of 4 stars; one submission).

Conditions:
Marfan Syndrome/Loeys-Dietz Syndrome/Familial Thoracic Aortic Aneurysms and Dissections. Identifiers: MedGen CN229799.

Submission:

Women's Health and Genetics/Laboratory Corporation of America, LabCorp
Classification: Likely pathogenic for Marfan Syndrome/Loeys-Dietz Syndrome/Familial Thoracic Aortic Aneurysms and Dissections. Last evaluated: 2022-08-02. Review status: criteria provided, single submitter. Criteria: LabCorp Variant Classification Summary - May 2015. Collection method: clinical testing. Allele origin: germline.
Comment: Variant summary: FBN1 c.7785_7806dup22 (p.Asn2603LeufsX12) results in a premature termination codon, predicted to cause a truncation of the encoded protein or absence of the protein due to nonsense mediated decay, which are commonly known mechanisms for disease. Truncations downstream of this position have been classified as pathogenic by our laboratory. The variant was absent in 250968 control chromosomes (gnomAD). To our knowledge, no occurrence of c.7785_7806dup22 in individuals affected with Marfan Syndrome and no experimental evidence demonstrating its impact on protein function have been reported. No clinical diagnostic laboratories have submitted clinical-significance assessments for this variant to ClinVar after 2014. Based on the evidence outlined above, the variant was classified as likely pathogenic.